The following is an entry in ClinVar:

ClinVar aggregate classification (germline): Uncertain significance (1 of 4 stars; one submission).

Submission:

Labcorp Genetics (formerly Invitae), Labcorp
Classification: Uncertain significance. Last evaluated: 2025-04-02. Review status: criteria provided, single submitter. Criteria: Invitae Variant Classification Sherloc (09022015). Collection method: clinical testing. Allele origin: germline.
Comment: This sequence change replaces aspartic acid, which is acidic and polar, with glycine, which is neutral and non-polar, at codon 362 of the GABRB1 protein (p.Asp362Gly). This variant is not present in population databases (gnomAD no frequency). This variant has not been reported in the literature in individuals affected with GABRB1-related conditions. ClinVar contains an entry for this variant (Variation ID: 3611196). Invitae Evidence Modeling of protein sequence and biophysical properties (such as structural, functional, and spatial information, amino acid conservation, physicochemical variation, residue mobility, and thermodynamic stability) indicates that this missense variant is not expected to disrupt GABRB1 protein function with a negative predictive value of 95%. In summary, the available evidence is currently insufficient to determine the role of this variant in disease. Therefore, it has been classified as a Variant of Uncertain Significance.

NM_000812.4(GABRB1):c.1085A>G (p.Asp362Gly)

Gene: GABRB1 (gamma-aminobutyric acid type A receptor subunit beta1; plus strand). Cytogenetic location: 4p12.
Variant type: single nucleotide variant.
Coding change: c.1085A>G on transcript NM_000812.4 (MANE Select); coding-DNA position 1085, A replaced by G.
Protein change: p.Asp362Gly; replaces aspartic acid 362 with glycine.
Molecular consequence: missense variant.
Genome position (GRCh38, 1-based): chr4:47,425,678, A>G. VCF-style: chr4-47425678-A-G. GRCh37 (hg19) VCF-style: chr4-47427695-A-G.
Other names: short protein forms D362G.
Identifiers: ClinVar variation 3611196 (VCV003611196.2).
Genomic context (GRCh38, chr4:47,425,678, plus strand): 5'-TGAAAACAGGCAAAGGTCCTGCAACTTGTGTCCGAGCCTGTTCTTTTTGCCATCAGGTCG[A>G]CGCCCACGGTAACATTCTCCTCAGCACCCTGGAAATCCGGAATGAGACGAGTGGCTCGGA-3'
Protein context (NP_000803.2, residues 352-372): NKLEMNKVQV[Asp362Gly]AHGNILLSTL